The following is an entry in ClinVar:

NM_014112.5(TRPS1):c.2632G>A (p.Ala878Thr)

Gene: TRPS1 (transcriptional repressor GATA binding 1; minus strand). Cytogenetic location: 8q23.3.
Variant type: single nucleotide variant.
Coding change: c.2632G>A on transcript NM_014112.5 (MANE Select); coding-DNA position 2632, G replaced by A.
Protein change: p.Ala878Thr; replaces alanine 878 with threonine.
Molecular consequence: missense variant.
Genome position (GRCh38, 1-based): chr8:115,587,069, C>T on the plus strand (G>A on the coding strand, the complement: TRPS1 is on the minus strand). VCF-style: chr8-115587069-C-T. GRCh37 (hg19) VCF-style: chr8-116599296-C-T.
Other names: c.2605G>A, p.Ala869Thr (NM_001282902.3); c.2611G>A, p.Ala871Thr (NM_001282903.3); c.2593G>A, p.Ala865Thr (NM_001330599.2); short protein forms A865T, A869T, A871T, A878T.
Identifiers: ClinVar variation 3760576 (VCV003760576.2).

ClinVar aggregate classification (germline): Uncertain significance (1 of 4 stars; one submission).

Conditions:
Trichorhinophalangeal dysplasia type I (TRPS1). Also called: TRICHORHINOPHALANGEAL SYNDROME, TYPE I; TRPS I. Identifiers: Orphanet 77258, MedGen C0432233, MONDO:0008596, OMIM 190350.
Trichorhinophalangeal syndrome, type III (TRPS3). Also called: SUGIO-KAJII SYNDROME. Identifiers: Orphanet 77258, MedGen C1860823, OMIM 190351, MONDO:0008597.

gnomAD v4.1: 8 of 1,614,040 alleles (0.0005%); highest among the groups gnomAD compares: Admixed American, 0.0067%; no homozygotes.

Submission:

Labcorp Genetics (formerly Invitae), Labcorp
Classification: Uncertain significance for Trichorhinophalangeal syndrome, type III; Trichorhinophalangeal dysplasia type I. Last evaluated: 2024-08-29. Review status: criteria provided, single submitter. Criteria: Invitae Variant Classification Sherloc (09022015). Collection method: clinical testing. Allele origin: germline.
Comment: This sequence change replaces alanine, which is neutral and non-polar, with threonine, which is neutral and polar, at codon 878 of the TRPS1 protein (p.Ala878Thr). This variant is present in population databases (no rsID available, gnomAD no frequency). This variant has not been reported in the literature in individuals affected with TRPS1-related conditions. Invitae Evidence Modeling of protein sequence and biophysical properties (such as structural, functional, and spatial information, amino acid conservation, physicochemical variation, residue mobility, and thermodynamic stability) indicates that this missense variant is not expected to disrupt TRPS1 protein function with a negative predictive value of 80%. In summary, the available evidence is currently insufficient to determine the role of this variant in disease. Therefore, it has been classified as a Variant of Uncertain Significance.